The following is an entry in ClinVar:

NM_001287.6(CLCN7):c.1459C>A (p.Pro487Thr)

Gene: CLCN7 (chloride voltage-gated channel 7; minus strand). Cytogenetic location: 16p13.3.
Variant type: single nucleotide variant.
Coding change: c.1459C>A on transcript NM_001287.6 (MANE Select); coding-DNA position 1459, C replaced by A.
Protein change: p.Pro487Thr; replaces proline 487 with threonine.
Molecular consequence: missense variant.
Genome position (GRCh38, 1-based): chr16:1,450,655, G>T on the plus strand (C>A on the coding strand, the complement: CLCN7 is on the minus strand). VCF-style: chr16-1450655-G-T. GRCh37 (hg19) VCF-style: chr16-1500656-G-T.
Other names: c.1387C>A, p.Pro463Thr (NM_001114331.3); short protein forms P463T, P487T.
Identifiers: ClinVar variation 4692413 (VCV004692413.1).

ClinVar aggregate classification (germline): Uncertain significance (1 of 4 stars; one submission).

gnomAD v4.1: 1 of 1,610,690 alleles (0.000062%); highest among the groups gnomAD compares: Non-Finnish European, 0.000085%; no homozygotes.

Submission:

Labcorp Genetics (formerly Invitae), Labcorp
Classification: Uncertain significance. Last evaluated: 2025-06-27. Review status: criteria provided, single submitter. Criteria: Invitae Variant Classification Sherloc (09022015). Collection method: clinical testing. Allele origin: germline.
Comment: This sequence change replaces proline, which is neutral and non-polar, with threonine, which is neutral and polar, at codon 487 of the CLCN7 protein (p.Pro487Thr). This variant is not present in population databases (gnomAD no frequency). This variant has not been reported in the literature in individuals affected with CLCN7-related conditions. Invitae Evidence Modeling of protein sequence and biophysical properties (such as structural, functional, and spatial information, amino acid conservation, physicochemical variation, residue mobility, and thermodynamic stability) indicates that this missense variant is not expected to disrupt CLCN7 protein function with a negative predictive value of 95%. In summary, the available evidence is currently insufficient to determine the role of this variant in disease. Therefore, it has been classified as a Variant of Uncertain Significance.